The following is an entry in ClinVar:

NM_001447.3(FAT2):c.8640C>T (p.His2880=)

Genes: FAT2 (FAT atypical cadherin 2; minus strand), SLC36A1 (solute carrier family 36 member 1; plus strand). Cytogenetic location: 5q33.1.
Variant type: single nucleotide variant.
Coding change: c.8640C>T on transcript NM_001447.3 (MANE Select); coding-DNA position 8640, C replaced by T.
Protein change: p.His2880=; no amino-acid change (histidine 2880 retained).
Molecular consequence: synonymous variant.
Genome position (GRCh38, 1-based): chr5:151,542,487, G>A on the plus strand (C>T on the coding strand, the complement: FAT2 is on the minus strand). VCF-style: chr5-151542487-G-A. GRCh37 (hg19) VCF-style: chr5-150922048-G-A.
Identifiers: ClinVar variation 2655955 (VCV002655955.27), dbSNP rs746961432, ClinGen allele CA3520778.

ClinVar aggregate classification (germline): Likely benign. Review status: criteria provided, multiple submitters, no conflicts (2 of 4 stars). 2 submissions from 2 submitters: Likely benign (2). Last evaluated 2023-09-11.

Allele frequency attached by ClinVar (database versions not stated): ExAC 0.00009; TOPMed 0.00009; gnomAD 0.00013.
gnomAD v4.1: 243 of 1,614,080 alleles (0.015%); highest among the groups gnomAD compares: Non-Finnish European, 0.018%; no homozygotes.

Submissions (2):

Labcorp Genetics (formerly Invitae), Labcorp
Classification: Likely benign. Last evaluated: 2023-09-11. Review status: criteria provided, single submitter. Criteria: Invitae Variant Classification Sherloc (09022015). Collection method: clinical testing. Allele origin: germline.

CeGaT Center for Human Genetics Tuebingen
Classification: Likely benign. Last evaluated: 2022-10-01. Review status: criteria provided, single submitter. Criteria: CeGaT Center For Human Genetics Tuebingen Variant Classification Criteria Version 2. Collection method: clinical testing. Allele origin: germline. Affected: yes. Observed: 1 variant allele.
Comment: FAT2: BP4, BP7